The following is an entry in ClinVar:

ClinVar aggregate classification (germline): Uncertain significance (1 of 4 stars; one submission).

Submission:

Ambry Genetics
Classification: Uncertain significance. Last evaluated: 2024-04-28. Review status: criteria provided, single submitter. Criteria: Ambry Variant Classification Scheme 2023. Collection method: clinical testing. Allele origin: germline.
Comment: The p.S698T variant (also known as c.2093G>C), located in coding exon 13 of the NPAT gene, results from a G to C substitution at nucleotide position 2093. The serine at codon 698 is replaced by threonine, an amino acid with similar properties. This amino acid position is conserved. In addition, this alteration is predicted to be tolerated by in silico analysis. Based on the available evidence, the clinical significance of this variant remains unclear.

NM_002519.3(NPAT):c.2093G>C (p.Ser698Thr)

Gene: NPAT (nuclear protein, coactivator of histone transcription; minus strand). Cytogenetic location: 11q22.3.
Variant type: single nucleotide variant.
Coding change: c.2093G>C on transcript NM_002519.3 (MANE Select); coding-DNA position 2093, G replaced by C.
Protein change: p.Ser698Thr; replaces serine 698 with threonine.
Molecular consequence: missense variant.
Genome position (GRCh38, 1-based): chr11:108,172,891, C>G on the plus strand (G>C on the coding strand, the complement: NPAT is on the minus strand). VCF-style: chr11-108172891-C-G. GRCh37 (hg19) VCF-style: chr11-108043618-C-G.
Other names: c.2093G>C, p.Ser698Thr (NM_001321307.1); short protein forms S698T.
Identifiers: ClinVar variation 3300680 (VCV003300680.1).